The following is an entry in ClinVar:

NM_001129.5(AEBP1):c.3038C>T (p.Pro1013Leu)

Gene: AEBP1 (AE binding protein 1; plus strand). Cytogenetic location: 7p13.
Variant type: single nucleotide variant.
Coding change: c.3038C>T on transcript NM_001129.5 (MANE Select); coding-DNA position 3038, C replaced by T.
Protein change: p.Pro1013Leu; replaces proline 1013 with leucine.
Molecular consequence: missense variant.
Genome position (GRCh38, 1-based): chr7:44,113,822, C>T. VCF-style: chr7-44113822-C-T. GRCh37 (hg19) VCF-style: chr7-44153421-C-T.
Other names: short protein forms P1013L.
Identifiers: ClinVar variation 2028738 (VCV002028738.4), dbSNP rs2128809526, ClinGen allele CA367374106.
Genomic context (GRCh38, chr7:44,113,822, plus strand): 5'-TCATGGCCATGAACGGGAACCGGCCTATCCCACACATAGACCCATCGCGCCCTATGACCC[C>T]CCAACAGCGACGCCTGCAGCAGCGACGCCTACAACACCGCCTGCGGCTTCGGGCACAGAT-3'
Protein context (NP_001120.3, residues 1003-1023): PHIDPSRPMT[Pro1013Leu]QQRRLQQRRL

ClinVar aggregate classification (germline): Uncertain significance (1 of 4 stars; one submission).

Allele frequency attached by ClinVar (database versions not stated): gnomAD exomes below 0.00001.
gnomAD v4.1: 1 of 1,614,012 alleles (0.000062%); highest among the groups gnomAD compares: Non-Finnish European, 0.000085%; no homozygotes.

Submission:

Labcorp Genetics (formerly Invitae), Labcorp
Classification: Uncertain significance. Last evaluated: 2022-12-02. Review status: criteria provided, single submitter. Criteria: Invitae Variant Classification Sherloc (09022015). Collection method: clinical testing. Allele origin: germline.
Comment: This variant has not been reported in the literature in individuals affected with AEBP1-related conditions. This variant is not present in population databases (gnomAD no frequency). This sequence change replaces proline, which is neutral and non-polar, with leucine, which is neutral and non-polar, at codon 1013 of the AEBP1 protein (p.Pro1013Leu). Algorithms developed to predict the effect of missense changes on protein structure and function are either unavailable or do not agree on the potential impact of this missense change (SIFT: "Deleterious"; PolyPhen-2: "Probably Damaging"; Align-GVGD: "Class C0"). In summary, the available evidence is currently insufficient to determine the role of this variant in disease. Therefore, it has been classified as a Variant of Uncertain Significance.